The following is an entry in ClinVar:

NM_001032283.3(TMPO):c.565+1597T>C

Gene: TMPO (thymopoietin; plus strand). Cytogenetic location: 12q23.1.
Variant type: single nucleotide variant.
Coding change: c.565+1597T>C on transcript NM_001032283.3 (MANE Select); 1597 bases into the intron after coding-DNA position 565, T replaced by C.
Molecular consequence: intron variant. On other transcripts: missense variant (1).
Genome position (GRCh38, 1-based): chr12:98,533,435, T>C. VCF-style: chr12-98533435-T-C. GRCh37 (hg19) VCF-style: chr12-98927213-T-C.
Other names: c.1178T>C, p.Leu393Ser (NM_003276.2); c.565+1597T>C (NM_001307975.2, NM_001032284.3); short protein forms L393S.
Identifiers: ClinVar variation 1022729 (VCV001022729.11), dbSNP rs1227785613, ClinGen allele CA386152640.

ClinVar aggregate classification (germline): Uncertain significance. Review status: criteria provided, multiple submitters, no conflicts (2 of 4 stars). 2 submissions from 2 submitters: Uncertain significance (2). Last evaluated 2025-09-13.

Conditions:
Loeys-Dietz syndrome 2 (LDS2). Also called: TGFBR2-Related Loeys-Dietz Syndrome; AORTIC ANEURYSM, FAMILIAL THORACIC 3; Marfan syndrome, type 2 (formerly); MARFAN SYNDROME, TYPE II; Marfan Syndrome type 2; Marfan like connective tissue disorder. Identifiers: Orphanet 284973, Orphanet 558, MedGen C2674574, MONDO:0012427, OMIM 610168.

Allele frequency attached by ClinVar (database versions not stated): gnomAD exomes below 0.00001; gnomAD 0.00002; TOPMed 0.00002.
gnomAD v4.1: 4 of 1,614,080 alleles (0.00025%); highest among the groups gnomAD compares: African/African-American, 0.004%; no homozygotes.

Submissions (2):

Labcorp Genetics (formerly Invitae), Labcorp
Classification: Uncertain significance for Loeys-Dietz syndrome 2. Last evaluated: 2025-09-13. Review status: criteria provided, single submitter. Criteria: Invitae Variant Classification Sherloc (09022015). Collection method: clinical testing. Allele origin: germline.
Comment: This sequence change replaces leucine, which is neutral and non-polar, with serine, which is neutral and polar, at codon 393 of the TMPO protein (p.Leu393Ser). This variant is not present in population databases (gnomAD no frequency). This variant has not been reported in the literature in individuals affected with TMPO-related conditions. ClinVar contains an entry for this variant (Variation ID: 1022729). Invitae Evidence Modeling of protein sequence and biophysical properties (such as structural, functional, and spatial information, amino acid conservation, physicochemical variation, residue mobility, and thermodynamic stability) indicates that this missense variant is not expected to disrupt TMPO protein function with a negative predictive value of 80%. In summary, the available evidence is currently insufficient to determine the role of this variant in disease. Therefore, it has been classified as a Variant of Uncertain Significance.

Ambry Genetics
Classification: Uncertain significance. Last evaluated: 2022-10-30. Review status: criteria provided, single submitter. Criteria: Ambry Variant Classification Scheme 2023. Collection method: clinical testing. Allele origin: germline.
Comment: The p.L393S variant (also known as c.1178T>C), located in coding exon 4 of the TMPO gene, results from a T to C substitution at nucleotide position 1178. The leucine at codon 393 is replaced by serine, an amino acid with dissimilar properties. This amino acid position is conserved. In addition, the in silico prediction for this alteration is inconclusive. Since supporting evidence is limited at this time, the clinical significance of this alteration remains unclear.